The following is an entry in ClinVar:

ClinVar aggregate classification (germline): Uncertain significance (1 of 4 stars; one submission).

Conditions:
Charcot-Marie-Tooth disease dominant intermediate C (CMTDIC). Also called: CHARCOT-MARIE-TOOTH NEUROPATHY, DOMINANT INTERMEDIATE C. Identifiers: Orphanet 100045, MedGen C1842237, MONDO:0012012, OMIM 608323.

Allele frequency attached by ClinVar (database versions not stated): TOPMed 0.00002.
gnomAD v4.1: 6 of 1,614,048 alleles (0.00037%); highest among the groups gnomAD compares: Non-Finnish European, 0.00051%; no homozygotes.

Submission:

Labcorp Genetics (formerly Invitae), Labcorp
Classification: Uncertain significance for Charcot-Marie-Tooth disease dominant intermediate C. Last evaluated: 2022-10-13. Review status: criteria provided, single submitter. Criteria: Invitae Variant Classification Sherloc (09022015). Collection method: clinical testing. Allele origin: germline.
Comment: This sequence change replaces glutamic acid, which is acidic and polar, with aspartic acid, which is acidic and polar, at codon 98 of the YARS protein (p.Glu98Asp). This variant is present in population databases (no rsID available, gnomAD 0.002%). This variant has not been reported in the literature in individuals affected with YARS-related conditions. ClinVar contains an entry for this variant (Variation ID: 864219). Advanced modeling of protein sequence and biophysical properties (such as structural, functional, and spatial information, amino acid conservation, physicochemical variation, residue mobility, and thermodynamic stability) performed at Invitae indicates that this missense variant is expected to disrupt YARS protein function. In summary, the available evidence is currently insufficient to determine the role of this variant in disease. Therefore, it has been classified as a Variant of Uncertain Significance.

NM_003680.4(YARS1):c.294G>C (p.Glu98Asp)

Gene: YARS1 (tyrosyl-tRNA synthetase 1; minus strand). Cytogenetic location: 1p35.1.
Variant type: single nucleotide variant.
Coding change: c.294G>C on transcript NM_003680.4 (MANE Select); coding-DNA position 294, G replaced by C.
Protein change: p.Glu98Asp; replaces glutamic acid 98 with aspartic acid.
Molecular consequence: missense variant.
Genome position (GRCh38, 1-based): chr1:32,810,677, C>G on the plus strand (G>C on the coding strand, the complement: YARS1 is on the minus strand). VCF-style: chr1-32810677-C-G. GRCh37 (hg19) VCF-style: chr1-33276278-C-G.
Other names: short protein forms E98D.
Identifiers: ClinVar variation 864219 (VCV000864219.9), dbSNP rs146442827, ClinGen allele CA339687186.